The following is an entry in ClinVar:

NM_025137.4(SPG11):c.3573dup (p.Ala1192fs)

Gene: SPG11 (SPG11 vesicle trafficking associated, spatacsin; minus strand). Cytogenetic location: 15q21.1.
Variant type: Duplication.
Coding change: c.3573dup on transcript NM_025137.4 (MANE Select); coding-DNA position 3573, one base duplicated (T; older notation c.3573dupT).
Protein change: p.Ala1192fs; shifts the reading frame from alanine 1192.
Molecular consequence: frameshift variant.
Genome position (GRCh38, 1-based): chr15:44,600,580, A duplicated on the plus strand (T on the coding strand, the reverse complement: SPG11 is on the minus strand). VCF-style (leftmost placement, unchanged base first): chr15-44600579-C-CA. GRCh37 (hg19) VCF-style: chr15-44892777-C-CA.
Other names: c.3573dup, p.Ala1192fs (NM_001160227.2); short protein forms A1192fs.
Identifiers: ClinVar variation 1430039 (VCV001430039.6), dbSNP rs2140982382, ClinGen allele CA2573151005.
Genomic context (GRCh38, chr15:44,600,579, plus strand): 5'-ATGCAAATGATGGCCGCCCATTATGTAAATAATAAGCAAAATTCAGACGTTCCACTATAG[C>CA]ATATTTATTAACCAGGTCAGGGCTAGAGAAATGTGGGAGATGACTCCATGCATCTAGGGG-3'

ClinVar aggregate classification (germline): Pathogenic (1 of 4 stars; one submission).

Conditions:
Hereditary spastic paraplegia 11. Also called: Nakamura Osame syndrome; Autosomal recessive hereditary spastic paraplegia, mental impairment, and thin corpus callosum; Spastic Paraplegia 11; Spastic paraplegia, mental retardation and thin corpus callosum; SPASTIC PARAPLEGIA, AUTOSOMAL RECESSIVE, COMPLICATED, WITH THIN CORPUS CALLOSUM; SPASTIC PARAPLEGIA, AUTOSOMAL RECESSIVE, WITH MENTAL IMPAIRMENT AND THIN CORPUS CALLOSUM. Identifiers: Orphanet 2822, MedGen C1858479, MONDO:0011445, OMIM 604360.

Submission:

Labcorp Genetics (formerly Invitae), Labcorp
Classification: Pathogenic for Hereditary spastic paraplegia 11. Last evaluated: 2022-04-08. Review status: criteria provided, single submitter. Criteria: Invitae Variant Classification Sherloc (09022015). Collection method: clinical testing. Allele origin: germline.
Comment: For these reasons, this variant has been classified as Pathogenic. This variant has not been reported in the literature in individuals affected with SPG11-related conditions. This variant is not present in population databases (gnomAD no frequency). This sequence change creates a premature translational stop signal (p.Ala1192Cysfs*14) in the SPG11 gene. It is expected to result in an absent or disrupted protein product. Loss-of-function variants in SPG11 are known to be pathogenic (PMID: 19105190, 20110243, 22154821, 26556829).

Literature cited by the submitters: PubMed 19105190; PubMed 20110243; PubMed 22154821; PubMed 26556829.